The following is an entry in ClinVar:

NM_030632.3(ASXL3):c.861C>G (p.Leu287=)

Gene: ASXL3 (ASXL transcriptional regulator 3; plus strand). Cytogenetic location: 18q12.1.
Variant type: single nucleotide variant.
Coding change: c.861C>G on transcript NM_030632.3 (MANE Select); coding-DNA position 861, C replaced by G.
Protein change: p.Leu287=; no amino-acid change (leucine 287 retained).
Molecular consequence: synonymous variant.
Genome position (GRCh38, 1-based): chr18:33,683,550, C>G. VCF-style: chr18-33683550-C-G. GRCh37 (hg19) VCF-style: chr18-31263514-C-G.
Identifiers: ClinVar variation 4875401 (VCV004875401.2).
Genomic context (GRCh38, chr18:33,683,550, plus strand): 5'-AAATAAACATACGTTTGCTTCCTTACCTCAGCATTTTCAACAATACCTCCTGCTTTTGCT[C>G]CCAGAAGTGGATAGGCAGGTAAGTAGAAGTTTTAGACATTTGATACCAGCCACTAGTTAT-3'
Protein context (NP_085135.1, residues 277-297): QHFQQYLLLL[Leu287=]PEVDRQMGSD

ClinVar aggregate classification (germline): Likely benign (1 of 4 stars; one submission).

Submission:

CeGaT Center for Human Genetics Tuebingen
Classification: Likely benign. Last evaluated: 2026-07-01. Review status: criteria provided, single submitter. Criteria: CeGaT Center For Human Genetics Tuebingen Variant Classification Criteria Version 2. Collection method: clinical testing. Allele origin: germline. Affected: yes. Observed: 1 variant allele.
Comment: ASXL3: PM2:Supporting, BP4, BP7